The following is an entry in ClinVar:

NM_130466.4(UBE3B):c.2125G>A (p.Val709Ile)

Gene: UBE3B (ubiquitin protein ligase E3B; plus strand). Cytogenetic location: 12q24.11.
Variant type: single nucleotide variant.
Coding change: c.2125G>A on transcript NM_130466.4 (MANE Select); coding-DNA position 2125, G replaced by A.
Protein change: p.Val709Ile; replaces valine 709 with isoleucine.
Molecular consequence: missense variant.
Genome position (GRCh38, 1-based): chr12:109,521,196, G>A. VCF-style: chr12-109521196-G-A. GRCh37 (hg19) VCF-style: chr12-109959001-G-A.
Other names: c.2125G>A, p.Val709Ile (NM_183415.3); short protein forms V709I.
Identifiers: ClinVar variation 2160166 (VCV002160166.4), dbSNP rs749193019, ClinGen allele CA6778133.

ClinVar aggregate classification (germline): Uncertain significance (1 of 4 stars; one submission).

Allele frequency attached by ClinVar (database versions not stated): ExAC 0.00001; gnomAD 0.00001.
gnomAD v4.1: 33 of 1,614,084 alleles (0.002%); highest among the groups gnomAD compares: Non-Finnish European, 0.0026%; no homozygotes.

Submission:

Labcorp Genetics (formerly Invitae), Labcorp
Classification: Uncertain significance. Last evaluated: 2022-02-01. Review status: criteria provided, single submitter. Criteria: Invitae Variant Classification Sherloc (09022015). Collection method: clinical testing. Allele origin: germline.
Comment: This sequence change replaces valine, which is neutral and non-polar, with isoleucine, which is neutral and non-polar, at codon 709 of the UBE3B protein (p.Val709Ile). This variant is present in population databases (rs749193019, gnomAD 0.002%). In summary, the available evidence is currently insufficient to determine the role of this variant in disease. Therefore, it has been classified as a Variant of Uncertain Significance. Algorithms developed to predict the effect of missense changes on protein structure and function (SIFT, PolyPhen-2, Align-GVGD) all suggest that this variant is likely to be tolerated. This variant has not been reported in the literature in individuals affected with UBE3B-related conditions.